The following is an entry in ClinVar:

NM_001040142.2(SCN2A):c.698-20C>T

Gene: SCN2A (sodium voltage-gated channel alpha subunit 2; plus strand). Cytogenetic location: 2q24.3.
Variant type: single nucleotide variant.
Coding change: c.698-20C>T on transcript NM_001040142.2 (MANE Select); 20 bases into the intron before coding-DNA position 698, C replaced by T.
Molecular consequence: intron variant.
Genome position (GRCh38, 1-based): chr2:165,310,303, C>T. VCF-style: chr2-165310303-C-T. GRCh37 (hg19) VCF-style: chr2-166166813-C-T.
Other names: c.698-20C>T (NM_001040143.2, NM_001371246.1, NM_001371247.1 and 1 more transcripts).
Identifiers: ClinVar variation 379841 (VCV000379841.10), dbSNP rs748075978, ClinGen allele CA1939695.

ClinVar aggregate classification (germline): Likely benign. Review status: criteria provided, multiple submitters, no conflicts (2 of 4 stars). 3 submissions from 3 submitters: Likely benign (3). Last evaluated 2025-11-17.

Conditions:
Developmental and epileptic encephalopathy, 11 (DEE11). Also called: Early infantile epileptic encephalopathy 11. Identifiers: Orphanet 1934, MedGen C3150987, MONDO:0013388, OMIM 613721.
Seizures, benign familial infantile, 3 (BFIS3). Also called: CONVULSIONS, BENIGN FAMILIAL INFANTILE, 3; Familial neonatal seizures. Identifiers: Orphanet 140927, Orphanet 306, MedGen C1843140, MONDO:0011904, OMIM 607745.

Allele frequency attached by ClinVar (database versions not stated): ExAC 0.00001; gnomAD exomes 0.00001 and 0.00003; gnomAD 0.00002; TOPMed 0.00002.
gnomAD v4.1: 53 of 1,612,996 alleles (0.0033%); highest among the groups gnomAD compares: Middle Eastern, 0.016%; no homozygotes.

Submissions (3):

Labcorp Genetics (formerly Invitae), Labcorp
Classification: Likely benign for Seizures, benign familial infantile, 3; Developmental and epileptic encephalopathy, 11. Last evaluated: 2025-11-17. Review status: criteria provided, single submitter. Criteria: Invitae Variant Classification Sherloc (09022015). Collection method: clinical testing. Allele origin: germline.

Blueprint Genetics
Classification: Likely benign. Last evaluated: 2023-01-11. Review status: criteria provided, single submitter. Criteria: ACMG Guidelines, 2015. Collection method: clinical testing. Allele origin: germline.

GeneDx
Classification: Likely benign. Last evaluated: 2016-06-28. Review status: criteria provided, single submitter. Criteria: GeneDx Variant Classification (06012015). Collection method: clinical testing. Allele origin: germline. Affected: yes.
Comment: This variant is considered likely benign or benign based on one or more of the following criteria: it is a conservative change, it occurs at a poorly conserved position in the protein, it is predicted to be benign by multiple in silico algorithms, and/or has population frequency not consistent with disease.